The following is an entry in ClinVar:

ClinVar aggregate classification (germline): Uncertain significance (1 of 4 stars; one submission).

Conditions:
Long QT syndrome 6 (LQT6). Identifiers: Orphanet 101016, Orphanet 768, MedGen C3150953, MONDO:0013370, OMIM 613693.

Submission:

Labcorp Genetics (formerly Invitae), Labcorp
Classification: Uncertain significance for Long QT syndrome 6. Last evaluated: 2024-05-16. Review status: criteria provided, single submitter. Criteria: Invitae Variant Classification Sherloc (09022015). Collection method: clinical testing. Allele origin: germline.
Comment: This sequence change replaces glutamic acid, which is acidic and polar, with lysine, which is basic and polar, at codon 44 of the KCNE2 protein (p.Glu44Lys). This variant is not present in population databases (gnomAD no frequency). This variant has not been reported in the literature in individuals affected with KCNE2-related conditions. An algorithm developed to predict the effect of missense changes on protein structure and function (PolyPhen-2) suggests that this variant is likely to be disruptive. In summary, the available evidence is currently insufficient to determine the role of this variant in disease. Therefore, it has been classified as a Variant of Uncertain Significance.

NM_172201.2(KCNE2):c.130G>A (p.Glu44Lys)

Genes: KCNE2 (potassium voltage-gated channel subfamily E regulatory subunit 2; plus strand), LOC105372791 (uncharacterized LOC105372791; minus strand). Cytogenetic location: 21q22.11.
Variant type: single nucleotide variant.
Coding change: c.130G>A on transcript NM_172201.2 (MANE Select); coding-DNA position 130, G replaced by A.
Protein change: p.Glu44Lys; replaces glutamic acid 44 with lysine.
Molecular consequence: missense variant. On other transcripts: non-coding transcript variant (2).
Genome position (GRCh38, 1-based): chr21:34,370,608, G>A. VCF-style: chr21-34370608-G-A. GRCh37 (hg19) VCF-style: chr21-35742907-G-A.
Other names: short protein forms E44K.
Identifiers: ClinVar variation 3730618 (VCV003730618.2).
Genomic context (GRCh38, chr21:34,370,608, plus strand): 5'-GACAATTGGCGCCAGAACACAACAGCTGAGCAAGAGGCCCTCCAAGCCAAAGTTGATGCT[G>A]AGAACTTCTACTATGTCATCCTGTACCTCATGGTGATGATTGGAATGTTCTCTTTCATCA-3'
Protein context (NP_751951.1, residues 34-54): QEALQAKVDA[Glu44Lys]NFYYVILYLM